The following is an entry in ClinVar:

ClinVar aggregate classification (germline): Uncertain significance (1 of 4 stars; one submission).

Conditions:
TUB-related disorder. Also called: TUB-related condition.

Submission:

PreventionGenetics, part of Exact Sciences
Classification: Uncertain significance for TUB-related condition. Last evaluated: 2026-06-26. Review status: criteria provided, single submitter. Criteria: ACMG Guidelines, 2015. Collection method: clinical testing. Allele origin: germline.
Comment: The TUB c.761A>T variant is predicted to result in the amino acid substitution p.Asp254Val. To our knowledge, this variant has not been reported in the literature or in a large population database (gnomAD), indicating this variant is rare. At this time, the clinical significance of this variant is uncertain due to the absence of conclusive functional and genetic evidence.

NM_177972.3(TUB):c.596A>T (p.Asp199Val)

Genes: TUB (TUB bipartite transcription factor; plus strand), RIC3 (RIC3 acetylcholine receptor chaperone; minus strand). Cytogenetic location: 11p15.4.
Variant type: single nucleotide variant.
Coding change: c.596A>T on transcript NM_177972.3 (MANE Select); coding-DNA position 596, A replaced by T.
Protein change: p.Asp199Val; replaces aspartic acid 199 with valine.
Molecular consequence: missense variant.
Genome position (GRCh38, 1-based): chr11:8,096,715, A>T. VCF-style: chr11-8096715-A-T. GRCh37 (hg19) VCF-style: chr11-8118262-A-T.
Other names: c.614A>T, p.Asp205Val (NM_001440538.1, NM_001440539.1); c.446A>T, p.Asp149Val (NM_001440540.1, NM_001440542.1); c.428A>T, p.Asp143Val (NM_001440541.1); c.761A>T, p.Asp254Val (NM_003320.5); short protein forms D143V, D205V, D254V, D149V, D199V.
Identifiers: ClinVar variation 4996607 (VCV004996607.1).